The following is an entry in ClinVar:

ClinVar aggregate classification (germline): Uncertain significance (1 of 4 stars; one submission).

Conditions:
Hereditary nonpolyposis colorectal neoplasms. Identifiers: MedGen C0009405, MeSH D003123.

Submission:

Labcorp Genetics (formerly Invitae), Labcorp
Classification: Uncertain significance for Hereditary nonpolyposis colorectal neoplasms. Last evaluated: 2020-11-23. Review status: criteria provided, single submitter. Criteria: Invitae Variant Classification Sherloc (09022015). Collection method: clinical testing. Allele origin: germline.
Comment: In summary, the available evidence is currently insufficient to determine the role of this variant in disease. Therefore, it has been classified as a Variant of Uncertain Significance. Advanced modeling of protein sequence and biophysical properties (such as structural, functional, and spatial information, amino acid conservation, physicochemical variation, residue mobility, and thermodynamic stability) performed at Invitae indicates that this missense variant is not expected to disrupt MSH6 protein function. This variant has not been reported in the literature in individuals with MSH6-related conditions. This variant is not present in population databases (ExAC no frequency). This sequence change replaces threonine with alanine at codon 305 of the MSH6 protein (p.Thr305Ala). The threonine residue is weakly conserved and there is a small physicochemical difference between threonine and alanine.

NM_000179.3(MSH6):c.913A>G (p.Thr305Ala)

Gene: MSH6 (mutS homolog 6; plus strand). Cytogenetic location: 2p16.3.
Variant type: single nucleotide variant.
Coding change: c.913A>G on transcript NM_000179.3 (MANE Select); coding-DNA position 913, A replaced by G.
Protein change: p.Thr305Ala; replaces threonine 305 with alanine.
Molecular consequence: missense variant.
Genome position (GRCh38, 1-based): chr2:47,798,896, A>G. VCF-style: chr2-47798896-A-G. GRCh37 (hg19) VCF-style: chr2-48026035-A-G.
Other names: c.523A>G, p.Thr175Ala (NM_001281492.2); c.7A>G, p.Thr3Ala (NM_001281493.2, NM_001281494.2); short protein forms T3A, T175A, T305A.
Identifiers: ClinVar variation 1516573 (VCV001516573.8), dbSNP rs1572720858, ClinGen allele CA346740724.